The following is an entry in ClinVar:

ClinVar aggregate classification (germline): Uncertain significance (1 of 4 stars; one submission).

Conditions:
SH2B3-related disorder. Also called: SH2B3-related condition.

gnomAD v4.1: 31 of 1,580,740 alleles (0.002%); highest among the groups gnomAD compares: Middle Eastern, 0.034%; no homozygotes.

Submission:

PreventionGenetics, part of Exact Sciences
Classification: Uncertain significance for SH2B3-related condition. Last evaluated: 2025-11-04. Review status: criteria provided, single submitter. Criteria: ACMG Guidelines, 2015. Collection method: clinical testing. Allele origin: germline.
Comment: The SH2B3 c.793C>T variant is predicted to result in the amino acid substitution p.Arg265Trp. To our knowledge, this variant has not been reported in the literature. This variant is reported in 0.015% of alleles in individuals of Latino descent in gnomAD. At this time, the clinical significance of this variant is uncertain due to the absence of conclusive functional and genetic evidence.

NM_005475.3(SH2B3):c.793C>T (p.Arg265Trp)

Gene: SH2B3 (SH2B adaptor protein 3; plus strand). Cytogenetic location: 12q24.12.
Variant type: single nucleotide variant.
Coding change: c.793C>T on transcript NM_005475.3 (MANE Select); coding-DNA position 793, C replaced by T.
Protein change: p.Arg265Trp; replaces arginine 265 with tryptophan.
Molecular consequence: missense variant.
Genome position (GRCh38, 1-based): chr12:111,446,813, C>T. VCF-style: chr12-111446813-C-T. GRCh37 (hg19) VCF-style: chr12-111884617-C-T.
Other names: c.187C>T, p.Arg63Trp (NM_001291424.1); short protein forms R265W, R63W.
Identifiers: ClinVar variation 4977200 (VCV004977200.1).